The following is an entry in ClinVar:

ClinVar aggregate classification (germline): Uncertain significance (1 of 4 stars; one submission).

Conditions:
Symmetrical dyschromatosis of extremities (DSH). Also called: DYSCHROMATOSIS SYMMETRICA HEREDITARIA 1; Dyschromatosis symmetrica hereditaria; RETICULATE ACROPIGMENTATION OF DOHI; SYMMETRIC DYSCHROMATOSIS OF THE EXTREMITIES. Identifiers: Orphanet 41, MedGen C0406775, MONDO:0007483, OMIM 127400.
Aicardi-Goutieres syndrome 6 (AGS6). Identifiers: Orphanet 51, MedGen C3539013, MONDO:0014007, OMIM 615010.

Allele frequency attached by ClinVar (database versions not stated): gnomAD exomes below 0.00001.

Submission:

Labcorp Genetics (formerly Invitae), Labcorp
Classification: Uncertain significance for Aicardi-Goutieres syndrome 6; Symmetrical dyschromatosis of extremities. Last evaluated: 2022-05-25. Review status: criteria provided, single submitter. Criteria: Invitae Variant Classification Sherloc (09022015). Collection method: clinical testing. Allele origin: germline.
Comment: In summary, the available evidence is currently insufficient to determine the role of this variant in disease. Therefore, it has been classified as a Variant of Uncertain Significance. Algorithms developed to predict the effect of missense changes on protein structure and function (SIFT, PolyPhen-2, Align-GVGD) all suggest that this variant is likely to be tolerated. This variant has not been reported in the literature in individuals affected with ADAR-related conditions. This variant is not present in population databases (gnomAD no frequency). This sequence change replaces glutamine, which is neutral and polar, with arginine, which is basic and polar, at codon 141 of the ADAR protein (p.Gln141Arg).

NM_001111.5(ADAR):c.422A>G (p.Gln141Arg)

Gene: ADAR (adenosine deaminase RNA specific; minus strand). Cytogenetic location: 1q21.3.
Variant type: single nucleotide variant.
Coding change: c.422A>G on transcript NM_001111.5 (MANE Select); coding-DNA position 422, A replaced by G.
Protein change: p.Gln141Arg; replaces glutamine 141 with arginine.
Molecular consequence: missense variant. On other transcripts: 5 prime UTR variant (6).
Genome position (GRCh38, 1-based): chr1:154,602,220, T>C on the plus strand (A>G on the coding strand, the complement: ADAR is on the minus strand). VCF-style: chr1-154602220-T-C. GRCh37 (hg19) VCF-style: chr1-154574696-T-C.
Other names: c.-464A>G (NM_001193495.2, NM_001365046.1, NM_001365047.1 and 3 more transcripts); c.449A>G, p.Gln150Arg (NM_001365045.1); c.422A>G, p.Gln141Arg (NM_015840.4, NM_015841.4); short protein forms Q141R, Q150R.
Identifiers: ClinVar variation 1951061 (VCV001951061.5), dbSNP rs914367315, ClinGen allele CA30810702.